The following is an entry in ClinVar:

ClinVar aggregate classification (germline): Uncertain significance (1 of 4 stars; one submission).

Allele frequency attached by ClinVar (database versions not stated): gnomAD exomes below 0.00001.

Submission:

Ambry Genetics
Classification: Uncertain significance. Last evaluated: 2025-02-06. Review status: criteria provided, single submitter. Criteria: Ambry Variant Classification Scheme 2023. Collection method: clinical testing. Allele origin: germline.
Comment: The p.A216T variant (also known as c.646G>A), located in coding exon 3 of the GFI1 gene, results from a G to A substitution at nucleotide position 646. The alanine at codon 216 is replaced by threonine, an amino acid with similar properties. This amino acid position is conserved. In addition, this alteration is predicted to be tolerated by in silico analysis. Based on the available evidence, the clinical significance of this variant remains unclear.

NM_005263.5(GFI1):c.646G>A (p.Ala216Thr)

Gene: GFI1 (growth factor independent 1 transcriptional repressor; minus strand). Cytogenetic location: 1p22.1.
Variant type: single nucleotide variant.
Coding change: c.646G>A on transcript NM_005263.5 (MANE Select); coding-DNA position 646, G replaced by A.
Protein change: p.Ala216Thr; replaces alanine 216 with threonine.
Molecular consequence: missense variant.
Genome position (GRCh38, 1-based): chr1:92,480,741, C>T on the plus strand (G>A on the coding strand, the complement: GFI1 is on the minus strand). VCF-style: chr1-92480741-C-T. GRCh37 (hg19) VCF-style: chr1-92946298-C-T.
Other names: c.646G>A, p.Ala216Thr (NM_001127215.3, NM_001127216.3); short protein forms A216T.
Identifiers: ClinVar variation 3099438 (VCV003099438.2), dbSNP rs1476098004, ClinGen allele CA341149418.